The following is an entry in ClinVar:

ClinVar aggregate classification (germline): Uncertain significance (1 of 4 stars; one submission).

Conditions:
Inborn genetic diseases. Identifiers: MedGen C0950123, MeSH D030342.

Allele frequency attached by ClinVar (database versions not stated): ExAC 0.00001; gnomAD exomes 0.00001; TOPMed 0.00001.
gnomAD v4.1: 13 of 1,613,438 alleles (0.00081%); highest among the groups gnomAD compares: East Asian, 0.011%; no homozygotes.

Submission:

Ambry Genetics
Classification: Uncertain significance for Inborn genetic diseases. Last evaluated: 2023-09-22. Review status: criteria provided, single submitter. Criteria: Ambry Variant Classification Scheme 2023. Collection method: clinical testing. Allele origin: germline.
Comment: The c.944G>A (p.R315Q) alteration is located in exon 6 (coding exon 6) of the WDR26 gene. This alteration results from a G to A substitution at nucleotide position 944, causing the arginine (R) at amino acid position 315 to be replaced by a glutamine (Q). Based on data from gnomAD, the A allele has an overall frequency of <0.001% (1/251044) total alleles studied. The highest observed frequency was 0.005% (1/18360) of East Asian alleles. Another alteration at the same codon, c.943C>T (p.R315W), has been described. This amino acid position is highly conserved in available vertebrate species. This alteration is predicted to be tolerated by in silico analysis. Based on insufficient or conflicting evidence, the clinical significance of this alteration remains unclear.

NM_001379403.1(WDR26):c.1244G>A (p.Arg415Gln)

Gene: WDR26 (WD repeat domain 26; minus strand). Cytogenetic location: 1q42.12.
Variant type: single nucleotide variant.
Coding change: c.1244G>A on transcript NM_001379403.1 (MANE Select); coding-DNA position 1244, G replaced by A.
Protein change: p.Arg415Gln; replaces arginine 415 with glutamine.
Molecular consequence: missense variant.
Genome position (GRCh38, 1-based): chr1:224,418,335, C>T on the plus strand (G>A on the coding strand, the complement: WDR26 is on the minus strand). VCF-style: chr1-224418335-C-T. GRCh37 (hg19) VCF-style: chr1-224606037-C-T.
Other names: c.896G>A, p.Arg299Gln (NM_001115113.3); c.944G>A, p.Arg315Gln (NM_025160.7); short protein forms R315Q, R415Q, R299Q.
Identifiers: ClinVar variation 3189921 (VCV003189921.1), dbSNP rs779410378, ClinGen allele CA1415050.